The following is an entry in ClinVar:

NM_001134407.3(GRIN2A):c.1309C>G (p.Arg437Gly)

Gene: GRIN2A (glutamate ionotropic receptor NMDA type subunit 2A; minus strand). Cytogenetic location: 16p13.2.
Variant type: single nucleotide variant.
Coding change: c.1309C>G on transcript NM_001134407.3 (MANE Select); coding-DNA position 1309, C replaced by G.
Protein change: p.Arg437Gly; replaces arginine 437 with glycine.
Molecular consequence: missense variant.
Genome position (GRCh38, 1-based): chr16:9,849,775, G>C on the plus strand (C>G on the coding strand, the complement: GRIN2A is on the minus strand). VCF-style: chr16-9849775-G-C. GRCh37 (hg19) VCF-style: chr16-9943632-G-C.
Other names: c.1309C>G, p.Arg437Gly (NM_000833.5, NM_001134408.2); short protein forms R437G.
Identifiers: ClinVar variation 1709360 (VCV001709360.2), dbSNP rs2042848766, ClinGen allele CA394800952.

ClinVar aggregate classification (germline): Uncertain significance (1 of 4 stars; one submission).

Conditions:
Landau-Kleffner syndrome (FESD). Also called: EPILEPSY, FOCAL, WITH SPEECH DISORDER AND WITH OR WITHOUT MENTAL RETARDATION; APHASIA, ACQUIRED, WITH EPILEPSY. Identifiers: Orphanet 1945, Orphanet 725, Orphanet 98818, MedGen C0282512, MONDO:0009509, OMIM 245570.

Submission:

MGZ Medical Genetics Center
Classification: Uncertain significance for Landau-Kleffner syndrome. Last evaluated: 2022-05-04. Review status: criteria provided, single submitter. Criteria: ACMG Guidelines, 2015. Collection method: clinical testing. Allele origin: germline. Affected: yes. Observed: 1 variant allele.
Comment: ACMG criteria applied: PM2_SUP, BP4